The following is an entry in ClinVar:

NM_001080421.3(UNC13A):c.4048C>T (p.Pro1350Ser)

Gene: UNC13A (unc-13 homolog A; minus strand). Cytogenetic location: 19p13.11.
Variant type: single nucleotide variant.
Coding change: c.4048C>T on transcript NM_001080421.3 (MANE Select); coding-DNA position 4048, C replaced by T.
Protein change: p.Pro1350Ser; replaces proline 1350 with serine.
Molecular consequence: missense variant.
Genome position (GRCh38, 1-based): chr19:17,626,658, G>A on the plus strand (C>T on the coding strand, the complement: UNC13A is on the minus strand). VCF-style: chr19-17626658-G-A. GRCh37 (hg19) VCF-style: chr19-17737467-G-A.
Other names: c.4042C>T, p.Pro1348Ser (NM_001387021.1, NM_001387023.1); c.4039C>T, p.Pro1347Ser (NM_001387022.1); short protein forms P1347S, P1348S, P1350S.
Identifiers: ClinVar variation 1810180 (VCV001810180.1), dbSNP rs2513000026, ClinGen allele CA404696293.

ClinVar aggregate classification (germline): Uncertain significance (1 of 4 stars; one submission).

Submission:

GeneDx
Classification: Uncertain significance. Last evaluated: 2022-06-28. Review status: criteria provided, single submitter. Criteria: GeneDx Variant Classification Process June 2021. Collection method: clinical testing. Allele origin: germline. Affected: yes.
Comment: Has not been previously published as pathogenic or benign to our knowledge; Not observed at significant frequency in large population cohorts (gnomAD); In silico analysis supports that this missense variant has a deleterious effect on protein structure/function; Variants in candidate genes are classified as variants of uncertain significance in accordance with ACMG guidelines (Richards et al., 2015)